The following is an entry in ClinVar:

ClinVar aggregate classification (germline): Uncertain significance (1 of 4 stars; one submission).

Allele frequency attached by ClinVar (database versions not stated): gnomAD 0.00001; gnomAD exomes 0.00001; TOPMed 0.00001; ExAC 0.00002.
gnomAD v4.1: 7 of 1,614,010 alleles (0.00043%); highest among the groups gnomAD compares: Middle Eastern, 0.016%; no homozygotes.

Submission:

Labcorp Genetics (formerly Invitae), Labcorp
Classification: Uncertain significance. Last evaluated: 2024-09-05. Review status: criteria provided, single submitter. Criteria: Invitae Variant Classification Sherloc (09022015). Collection method: clinical testing. Allele origin: germline.
Comment: This sequence change replaces arginine, which is basic and polar, with histidine, which is basic and polar, at codon 269 of the JAM3 protein (p.Arg269His). This variant is present in population databases (rs772533647, gnomAD 0.006%). This variant has not been reported in the literature in individuals affected with JAM3-related conditions. ClinVar contains an entry for this variant (Variation ID: 1437012). Invitae Evidence Modeling of protein sequence and biophysical properties (such as structural, functional, and spatial information, amino acid conservation, physicochemical variation, residue mobility, and thermodynamic stability) indicates that this missense variant is not expected to disrupt JAM3 protein function with a negative predictive value of 80%. In summary, the available evidence is currently insufficient to determine the role of this variant in disease. Therefore, it has been classified as a Variant of Uncertain Significance.

NM_032801.5(JAM3):c.806G>A (p.Arg269His)

Gene: JAM3 (junctional adhesion molecule 3; plus strand). Cytogenetic location: 11q25.
Variant type: single nucleotide variant.
Coding change: c.806G>A on transcript NM_032801.5 (MANE Select); coding-DNA position 806, G replaced by A.
Protein change: p.Arg269His; replaces arginine 269 with histidine.
Molecular consequence: missense variant.
Genome position (GRCh38, 1-based): chr11:134,148,640, G>A. VCF-style: chr11-134148640-G-A. GRCh37 (hg19) VCF-style: chr11-134018535-G-A.
Other names: c.653G>A, p.Arg218His (NM_001205329.2); short protein forms R218H, R269H.
Identifiers: ClinVar variation 1437012 (VCV001437012.6), dbSNP rs772533647, ClinGen allele CA6370208.
Genomic context (GRCh38, chr11:134,148,640, plus strand): 5'-TTCTGGTTGTCCTTGCTGTACTGGCCCTGATCACGTTGGGCATCTGCTGTGCATACAGAC[G>A]TGGCTACTTCATCAACAATAAACAGGATGGAGAAAGGTGAGCCTGCCTTATGTGAAAAAA-3'
Protein context (NP_116190.3, residues 259-279): ITLGICCAYR[Arg269His]GYFINNKQDG